The following is an entry in ClinVar:

ClinVar aggregate classification (germline): Uncertain significance (1 of 4 stars; one submission).

Submission:

Labcorp Genetics (formerly Invitae), Labcorp
Classification: Uncertain significance. Last evaluated: 2021-02-02. Review status: criteria provided, single submitter. Criteria: Invitae Variant Classification Sherloc (09022015). Collection method: clinical testing. Allele origin: germline.
Comment: In summary, the available evidence is currently insufficient to determine the role of this variant in disease. Therefore, it has been classified as a Variant of Uncertain Significance. Algorithms developed to predict the effect of missense changes on protein structure and function are either unavailable or do not agree on the potential impact of this missense change (SIFT: "Deleterious"; PolyPhen-2: "Probably Damaging"; Align-GVGD: "Class C0"). This variant has been observed in individual(s) with clinical features of primary ciliary dyskinesia (Invitae). In at least one individual the data is consistent with the variant being in trans (on the opposite chromosome) from a pathogenic variant. This variant is not present in population databases (ExAC no frequency). This sequence change replaces phenylalanine with serine at codon 62 of the C11orf70 protein (p.Phe62Ser). The phenylalanine residue is highly conserved and there is a large physicochemical difference between phenylalanine and serine.

NM_032930.3(CFAP300):c.185T>C (p.Phe62Ser)

Gene: CFAP300 (cilia and flagella associated protein 300; plus strand). Cytogenetic location: 11q22.1.
Variant type: single nucleotide variant.
Coding change: c.185T>C on transcript NM_032930.3 (MANE Select); coding-DNA position 185, T replaced by C.
Protein change: p.Phe62Ser; replaces phenylalanine 62 with serine.
Molecular consequence: missense variant.
Genome position (GRCh38, 1-based): chr11:102,047,889, T>C. VCF-style: chr11-102047889-T-C. GRCh37 (hg19) VCF-style: chr11-101918620-T-C.
Other names: c.185T>C, p.Phe62Ser (NM_001195005.2, NM_001363505.2); short protein forms F62S.
Identifiers: ClinVar variation 1681451 (VCV001681451.8), dbSNP rs2135006622, ClinGen allele CA382488863.